The following is an entry in ClinVar:

ClinVar aggregate classification (germline): Uncertain significance (1 of 4 stars; one submission).

Conditions:
Benign neonatal seizures. Also called: Benign familial neonatal seizures; Convulsions benign familial neonatal dominant form; Autosomal dominant form of benign neonatal seizures; Benign familial neonatal epilepsy; Benign neonatal familial convulsions. Identifiers: Orphanet 1949, MedGen C0220669, MONDO:0016027.

Allele frequency attached by ClinVar (database versions not stated): gnomAD exomes below 0.00001.
gnomAD v4.1: 1 of 1,612,830 alleles (0.000062%); highest among the groups gnomAD compares: Non-Finnish European, 0.000085%; no homozygotes.

Submission:

Labcorp Genetics (formerly Invitae), Labcorp
Classification: Uncertain significance for Benign neonatal seizures. Last evaluated: 2018-09-13. Review status: criteria provided, single submitter. Criteria: Invitae Variant Classification Sherloc (09022015). Collection method: clinical testing. Allele origin: germline.
Comment: In summary, this variant is a novel missense change with uncertain impact on mRNA splicing and protein function. It has been classified as a Variant of Uncertain Significance. Algorithms developed to predict the effect of sequence changes on RNA splicing suggest that this variant may alter RNA splicing, but this prediction has not been confirmed by published transcriptional studies. Algorithms developed to predict the effect of missense changes on protein structure and function do not agree on the potential impact of this missense change (SIFT: "Tolerated"; PolyPhen-2: "Probably Damaging"; Align-GVGD: "Class C0"). This variant is not present in population databases (ExAC no frequency) and has not been reported in the literature in individuals with a KCNQ3-related disease. This sequence change replaces arginine with lysine at codon 600 of the KCNQ3 protein (p.Arg600Lys). The arginine residue is moderately conserved and there is a small physicochemical difference between arginine and lysine. This variant also falls at the last nucleotide of exon 13 of the KCNQ3 coding sequence, which is part of the consensus splice site for this exon.

NM_004519.4(KCNQ3):c.1799G>A (p.Arg600Lys)

Gene: KCNQ3 (potassium voltage-gated channel subfamily Q member 3; minus strand). Cytogenetic location: 8q24.22.
Variant type: single nucleotide variant.
Coding change: c.1799G>A on transcript NM_004519.4 (MANE Select); coding-DNA position 1799, G replaced by A.
Protein change: p.Arg600Lys; replaces arginine 600 with lysine.
Molecular consequence: missense variant.
Genome position (GRCh38, 1-based): chr8:132,134,290, C>T on the plus strand (G>A on the coding strand, the complement: KCNQ3 is on the minus strand). VCF-style: chr8-132134290-C-T. GRCh37 (hg19) VCF-style: chr8-133146537-C-T.
Other names: c.1439G>A, p.Arg480Lys (NM_001204824.2); short protein forms R600K, R480K.
Identifiers: ClinVar variation 471219 (VCV000471219.9), dbSNP rs1554622023, ClinGen allele CA372217980.